The following is an entry in ClinVar:

NM_004104.5(FASN):c.3193A>C (p.Lys1065Gln)

Gene: FASN (fatty acid synthase; minus strand). Cytogenetic location: 17q25.3.
Variant type: single nucleotide variant.
Coding change: c.3193A>C on transcript NM_004104.5 (MANE Select); coding-DNA position 3193, A replaced by C.
Protein change: p.Lys1065Gln; replaces lysine 1065 with glutamine.
Molecular consequence: missense variant.
Genome position (GRCh38, 1-based): chr17:82,087,355, T>G on the plus strand (A>C on the coding strand, the complement: FASN is on the minus strand). VCF-style: chr17-82087355-T-G. GRCh37 (hg19) VCF-style: chr17-80045231-T-G.
Other names: short protein forms K1065Q.
Identifiers: ClinVar variation 3656562 (VCV003656562.2).

ClinVar aggregate classification (germline): Uncertain significance (1 of 4 stars; one submission).

Conditions:
Epileptic encephalopathy. Identifiers: MedGen C0543888, HP:0200134.

Submission:

Labcorp Genetics (formerly Invitae), Labcorp
Classification: Uncertain significance for Epileptic encephalopathy. Last evaluated: 2024-06-13. Review status: criteria provided, single submitter. Criteria: Invitae Variant Classification Sherloc (09022015). Collection method: clinical testing. Allele origin: germline.
Comment: This sequence change replaces lysine, which is basic and polar, with glutamine, which is neutral and polar, at codon 1065 of the FASN protein (p.Lys1065Gln). This variant is not present in population databases (gnomAD no frequency). This variant has not been reported in the literature in individuals affected with FASN-related conditions. An algorithm developed to predict the effect of missense changes on protein structure and function (PolyPhen-2) suggests that this variant is likely to be tolerated. In summary, the available evidence is currently insufficient to determine the role of this variant in disease. Therefore, it has been classified as a Variant of Uncertain Significance.